The following is an entry in ClinVar:

NM_016169.4(SUFU):c.134A>C (p.Tyr45Ser)

Gene: SUFU (SUFU negative regulator of hedgehog signaling; plus strand). Cytogenetic location: 10q24.32.
Variant type: single nucleotide variant.
Coding change: c.134A>C on transcript NM_016169.4 (MANE Select); coding-DNA position 134, A replaced by C.
Protein change: p.Tyr45Ser; replaces tyrosine 45 with serine.
Molecular consequence: missense variant.
Genome position (GRCh38, 1-based): chr10:102,504,286, A>C. VCF-style: chr10-102504286-A-C. GRCh37 (hg19) VCF-style: chr10-104264043-A-C.
Other names: c.134A>C, p.Tyr45Ser (NM_001178133.2); short protein forms Y45S.
Identifiers: ClinVar variation 3340257 (VCV003340257.1).
Genomic context (GRCh38, chr10:102,504,286, plus strand): 5'-CCTTCGCTTCGCTCTTTCCCCCGGGACTGCACGCCATCTACGGAGAGTGCCGCCGCCTTT[A>C]CCCTGACCAGCCGAACCCGCTCCAGGTTACCGCTATCGTCAAGTACTGGTATGCTCTGGG-3'
Protein context (NP_057253.2, residues 35-55): HAIYGECRRL[Tyr45Ser]PDQPNPLQVT

ClinVar aggregate classification (germline): Uncertain significance (1 of 4 stars; one submission).

Submission:

GeneDx
Classification: Uncertain significance. Last evaluated: 2023-10-31. Review status: criteria provided, single submitter. Criteria: GeneDx Variant Classification Process June 2021. Collection method: clinical testing. Allele origin: germline. Affected: yes.
Comment: Not observed at significant frequency in large population cohorts (gnomAD); In silico analysis supports that this missense variant has a deleterious effect on protein structure/function; Has not been previously published as pathogenic or benign to our knowledge; This variant is associated with the following publications: (PMID: 24311597)